The following is an entry in ClinVar:

ClinVar aggregate classification (germline): Uncertain significance (1 of 4 stars; one submission).

Conditions:
Charcot-Marie-Tooth disease type 2. Also called: Charcot-Marie-Tooth type 2. Identifiers: Orphanet 64746, MedGen C0270914, MONDO:0018993.

gnomAD v4.1: 1 of 1,614,228 alleles (0.000062%); highest among the groups gnomAD compares: Non-Finnish European, 0.000085%; no homozygotes.

Submission:

Labcorp Genetics (formerly Invitae), Labcorp
Classification: Uncertain significance for Charcot-Marie-Tooth disease type 2. Last evaluated: 2024-09-04. Review status: criteria provided, single submitter. Criteria: Invitae Variant Classification Sherloc (09022015). Collection method: clinical testing. Allele origin: germline.
Comment: This sequence change replaces phenylalanine, which is neutral and non-polar, with leucine, which is neutral and non-polar, at codon 1174 of the KIF1B protein (p.Phe1174Leu). This variant is not present in population databases (gnomAD no frequency). This variant has not been reported in the literature in individuals affected with KIF1B-related conditions. An algorithm developed to predict the effect of missense changes on protein structure and function (PolyPhen-2) suggests that this variant is likely to be tolerated. In summary, the available evidence is currently insufficient to determine the role of this variant in disease. Therefore, it has been classified as a Variant of Uncertain Significance.

NM_001365951.3(KIF1B):c.3660C>G (p.Phe1220Leu)

Gene: KIF1B (kinesin family member 1B; plus strand). Cytogenetic location: 1p36.22.
Variant type: single nucleotide variant.
Coding change: c.3660C>G on transcript NM_001365951.3 (MANE Select); coding-DNA position 3660, C replaced by G.
Protein change: p.Phe1220Leu; replaces phenylalanine 1220 with leucine.
Molecular consequence: missense variant.
Genome position (GRCh38, 1-based): chr1:10,343,259, C>G. VCF-style: chr1-10343259-C-G. GRCh37 (hg19) VCF-style: chr1-10403317-C-G.
Other names: c.3660C>G, p.Phe1220Leu (NM_001365952.1); c.3522C>G, p.Phe1174Leu (NM_015074.3); short protein forms F1174L, F1220L.
Identifiers: ClinVar variation 3642210 (VCV003642210.2).